The following is an entry in ClinVar:

ClinVar aggregate classification (germline): Uncertain significance (1 of 4 stars; one submission).

Conditions:
Nemaline myopathy 2 (NEM2). Also called: Nemaline myopathy 2, autosomal recessive. Identifiers: MedGen C1850569, MONDO:0009725, OMIM 256030.

Submission:

Labcorp Genetics (formerly Invitae), Labcorp
Classification: Uncertain significance for Nemaline myopathy 2. Last evaluated: 2022-04-11. Review status: criteria provided, single submitter. Criteria: Invitae Variant Classification Sherloc (09022015). Collection method: clinical testing. Allele origin: germline.
Comment: This sequence change replaces valine, which is neutral and non-polar, with alanine, which is neutral and non-polar, at codon 2088 of the NEB protein (p.Val2088Ala). This variant is not present in population databases (gnomAD no frequency). This variant has not been reported in the literature in individuals affected with NEB-related conditions. Algorithms developed to predict the effect of missense changes on protein structure and function are either unavailable or do not agree on the potential impact of this missense change (SIFT: "Deleterious"; PolyPhen-2: "Not Available"; Align-GVGD: "Class C0"). In summary, the available evidence is currently insufficient to determine the role of this variant in disease. Therefore, it has been classified as a Variant of Uncertain Significance.

NM_001164508.2(NEB):c.6263T>C (p.Val2088Ala)

Gene: NEB (nebulin; minus strand). Cytogenetic location: 2q23.3.
Variant type: single nucleotide variant.
Coding change: c.6263T>C on transcript NM_001164508.2 (MANE Select); coding-DNA position 6263, T replaced by C.
Protein change: p.Val2088Ala; replaces valine 2088 with alanine.
Molecular consequence: missense variant.
Genome position (GRCh38, 1-based): chr2:151,656,385, A>G on the plus strand (T>C on the coding strand, the complement: NEB is on the minus strand). VCF-style: chr2-151656385-A-G. GRCh37 (hg19) VCF-style: chr2-152512899-A-G.
Other names: c.6263T>C, p.Val2088Ala (NM_001164507.2, NM_001271208.2, NM_004543.5); short protein forms V2088A.
Identifiers: ClinVar variation 2124577 (VCV002124577.1), dbSNP rs2552252982, ClinGen allele CA348800128.